The following is an entry in ClinVar:

NM_000059.4(BRCA2):c.9399del (p.Gly3134fs)

Gene: BRCA2 (BRCA2 DNA repair associated; plus strand). Cytogenetic location: 13q13.1.
Variant type: Deletion.
Coding change: c.9399del on transcript NM_000059.4 (MANE Select); coding-DNA position 9399, one base deleted (A; older notation c.9399delA).
Protein change: p.Gly3134fs; shifts the reading frame from glycine 3134.
Molecular consequence: frameshift variant. On other transcripts: non-coding transcript variant (1).
Genome position (GRCh38, 1-based): chr13:32,394,831, A deleted. VCF-style (leftmost placement, unchanged base first): chr13-32394830-CA-C. GRCh37 (hg19) VCF-style: chr13-32968967-CA-C.
Other names: c.9303del, p.Gly3102fs (NM_001406719.1); c.9348del, p.Gly3117fs (NM_001406720.1); c.4467del, p.Gly1490fs (NM_001406721.1); c.2982del, p.Gly995fs (NM_001406722.1); short protein forms G1490fs, G3102fs, G3117fs, G3134fs, G995fs.
Identifiers: ClinVar variation 3075792 (VCV003075792.1), dbSNP rs2548562327, ClinGen allele CA2622603644.

ClinVar aggregate classification (germline): Likely pathogenic (1 of 4 stars; one submission).

Conditions:
Hereditary breast ovarian cancer syndrome. Also called: Hereditary breast and ovarian cancer syndrome; Hereditary breast and ovarian cancer; Hereditary breast and ovarian cancer syndrome (HBOC); Breast and ovarian cancer; Hereditary breast and/or ovarian cancer syndrome; BRCA1- and BRCA2-Associated Hereditary Breast and Ovarian Cancer. Identifiers: Orphanet 145, MedGen C0677776, MeSH D061325, MONDO:0003582. Disease mechanism: loss of function.

Allele frequency attached by ClinVar (database versions not stated): gnomAD exomes below 0.00001.

Submission:

Laboratory for Molecular Medicine, Mass General Brigham Personalized Medicine
Classification: Likely pathogenic for Hereditary breast ovarian cancer syndrome. Last evaluated: 2019-10-14. Review status: criteria provided, single submitter. Criteria: ACMG Guidelines, 2015. Collection method: clinical testing. Allele origin: germline.
Comment: The p.Gly3134AlafsX29 variant in BRCA2 has not been previously reported in individuals with hereditary breast and/or ovarian cancer (HBOC) and was absent from large population studies. This variant is predicted to cause a frameshift, which alters the protein’s amino acid sequence beginning at position 3134 and leads to a premature termination codon 29 amino acids downstream. This alteration is then predicted to lead to a truncated or absent protein. Loss of function of the BRCA2 gene is an established disease mechanism in autosomal dominant HBOC. In summary, although additional studies are required to fully establish its clinical significance, this variant meets criteria to be classified as likely pathogenic for autosomal dominant HBOC. ACMG/AMP Criteria applied: PVS1, PM2.